The following is an entry in ClinVar:

ClinVar aggregate classification (germline): Uncertain significance (1 of 4 stars; one submission).

Conditions:
Cardiomyopathy (CMYO). Also called: Cardiomyopathies. Identifiers: Orphanet 167848, MedGen C0878544, MONDO:0004994, HP:0001638. Inheritance: Various modes of inheritance.

Submission:

Color Diagnostics, LLC DBA Color Health
Classification: Uncertain significance for Cardiomyopathy. Last evaluated: 2024-03-06. Review status: criteria provided, single submitter. Criteria: ACMG Guidelines, 2015. Collection method: clinical testing. Allele origin: germline.
Comment: This missense variant replaces tyrosine with histidine at codon 106 of the TMEM43 protein. Computational prediction tool suggests that this variant may not impact protein structure and function (internally defined REVEL score threshold <=0.5, PMID: 27666373). Splice site prediction tools suggest that this variant may not impact RNA splicing. To our knowledge, functional studies have not been performed for this variant. This variant has not been reported in individuals affected with cardiovascular disorders in the literature. This variant has not been identified in the general population by the Genome Aggregation Database (gnomAD). The available evidence is insufficient to determine the role of this variant in disease conclusively. Therefore, this variant is classified as a Variant of Uncertain Significance.

NM_024334.3(TMEM43):c.316T>C (p.Tyr106His)

Gene: TMEM43 (transmembrane protein 43; plus strand). Cytogenetic location: 3p25.1.
Variant type: single nucleotide variant.
Coding change: c.316T>C on transcript NM_024334.3 (MANE Select); coding-DNA position 316, T replaced by C.
Protein change: p.Tyr106His; replaces tyrosine 106 with histidine.
Molecular consequence: missense variant.
Genome position (GRCh38, 1-based): chr3:14,131,598, T>C. VCF-style: chr3-14131598-T-C. GRCh37 (hg19) VCF-style: chr3-14173098-T-C.
Other names: short protein forms Y106H.
Identifiers: ClinVar variation 927797 (VCV000927797.4), dbSNP rs1695096147, ClinGen allele CA351534796.